The following is an entry in ClinVar:

ClinVar aggregate classification (germline): Uncertain significance (1 of 4 stars; one submission).

gnomAD v4.1: 3 of 1,614,144 alleles (0.00019%); highest among the groups gnomAD compares: South Asian, 0.0011%; no homozygotes.

Submission:

Labcorp Genetics (formerly Invitae), Labcorp
Classification: Uncertain significance. Last evaluated: 2025-12-19. Review status: criteria provided, single submitter. Criteria: Invitae Variant Classification Sherloc (09022015). Collection method: clinical testing. Allele origin: germline.
Comment: This sequence change replaces glycine, which is neutral and non-polar, with cysteine, which is neutral and slightly polar, at codon 141 of the NIN protein (p.Gly141Cys). This variant is not present in population databases (gnomAD no frequency). This variant has not been reported in the literature in individuals affected with NIN-related conditions. ClinVar contains an entry for this variant (Variation ID: 1940412). An algorithm developed to predict the effect of missense changes on protein structure and function (PolyPhen-2) suggests that this variant is likely to be disruptive. In summary, the available evidence is currently insufficient to determine the role of this variant in disease. Therefore, it has been classified as a Variant of Uncertain Significance.

NM_020921.4(NIN):c.421G>T (p.Gly141Cys)

Gene: NIN (ninein; minus strand). Cytogenetic location: 14q22.1.
Variant type: single nucleotide variant.
Coding change: c.421G>T on transcript NM_020921.4 (MANE Select); coding-DNA position 421, G replaced by T.
Protein change: p.Gly141Cys; replaces glycine 141 with cysteine.
Molecular consequence: missense variant.
Genome position (GRCh38, 1-based): chr14:50,792,726, C>A on the plus strand (G>T on the coding strand, the complement: NIN is on the minus strand). VCF-style: chr14-50792726-C-A. GRCh37 (hg19) VCF-style: chr14-51259444-C-A.
Other names: c.421G>T, p.Gly141Cys (NM_016350.5, NM_182944.3, NM_182946.2); short protein forms G141C.
Identifiers: ClinVar variation 1940412 (VCV001940412.5), dbSNP rs143800977, ClinGen allele CA389674280.